The following is an entry in ClinVar:

NC_000019.9:g.(?_55644065)_(55660575_?)dup

Gene: TNNT1 (troponin T1, slow skeletal type; minus strand). Cytogenetic location: 19q13.42.
Variant type: Duplication.
Identifiers: ClinVar variation 3339814 (VCV003339814.1).

ClinVar aggregate classification (germline): Uncertain significance (1 of 4 stars; one submission).

Submission:

Women's Health and Genetics/Laboratory Corporation of America, LabCorp
Classification: Uncertain significance. Last evaluated: 2024-06-24. Review status: criteria provided, single submitter. Criteria: LabCorp Variant Classification Summary - May 2015. Collection method: clinical testing. Allele origin: germline.
Comment: Variant summary: The variant involves the duplication of exons 1-14 in the TNNT1 gene. The exact breakpoint at the 5' end of this variant is unknown, therefore this duplication may extend upstream of the annotated region of this gene. It is predicted to duplicate a segment including the initiation codon, therefore its impact on the encoded protein is unknown. A presumed nomenclature of c.(?_-58)_(*218_?)dup has been designated for the purposes of this classification. The variant was absent in 21560 control chromosomes (gnomAD Structural variants dataset). The available data on variant occurrences in the general population are insufficient to allow any conclusion about variant significance. To our knowledge, no occurrence of c.(?_-58)_(*218_?)dup in individuals affected with TNNT1-Related Disorders and no experimental evidence demonstrating its impact on protein function have been reported. ClinVar contains an entry for this variant (Variation ID: 2424667). Based on the evidence outlined above, the variant was classified as uncertain significance.